The following is an entry in ClinVar:

NM_002150.3(HPD):c.485C>T (p.Ala162Val)

Genes: HPD (4-hydroxyphenylpyruvate dioxygenase; minus strand), TIALD (transcript inducer of AURKA lysosomal degradation; plus strand). Cytogenetic location: 12q24.31.
Variant type: single nucleotide variant.
Coding change: c.485C>T on transcript NM_002150.3 (MANE Select); coding-DNA position 485, C replaced by T.
Protein change: p.Ala162Val; replaces alanine 162 with valine.
Molecular consequence: missense variant.
Genome position (GRCh38, 1-based): chr12:121,849,720, G>A on the plus strand (C>T on the coding strand, the complement: HPD is on the minus strand). VCF-style: chr12-121849720-G-A. GRCh37 (hg19) VCF-style: chr12-122287626-G-A.
Other names: c.368C>T, p.Ala123Val (NM_001171993.2); short protein forms A162V, A123V.
Identifiers: ClinVar variation 566973 (VCV000566973.9), dbSNP rs1566570874, ClinGen allele CA387017464.

ClinVar aggregate classification (germline): Uncertain significance (1 of 4 stars; one submission).

Conditions:
Hawkinsinuria. Identifiers: Orphanet 2118, MedGen C2931042, MONDO:0007700, OMIM 140350, HP:0034457.
Tyrosinemia type III. Also called: 4-HYDROXYPHENYLPYRUVIC ACID OXIDASE DEFICIENCY; Tyrosinemia type 3; 4-alpha hydroxyphenylpyruvic acid oxidase deficiency; 4-alpha hydroxyphenylpyruvate dioxygenase deficiency; 4-Hydroxyphenylpyruvate dioxygenase deficiency. Identifiers: Orphanet 69723, MedGen C0268623, MONDO:0010162, OMIM 276710.

Allele frequency attached by ClinVar (database versions not stated): TOPMed below 0.00001.

Submission:

Labcorp Genetics (formerly Invitae), Labcorp
Classification: Uncertain significance for Tyrosinemia type III; Hawkinsinuria. Last evaluated: 2018-03-12. Review status: criteria provided, single submitter. Criteria: Invitae Variant Classification Sherloc (09022015). Collection method: clinical testing. Allele origin: germline.
Comment: This sequence change replaces alanine with valine at codon 162 of the HPD protein (p.Ala162Val). The alanine residue is moderately conserved and there is a small physicochemical difference between alanine and valine. In summary, the available evidence is currently insufficient to determine the role of this variant in disease. Therefore, it has been classified as a Variant of Uncertain Significance. Algorithms developed to predict the effect of missense changes on protein structure and function output the following: SIFT: "Tolerated"; PolyPhen-2: "Benign"; Align-GVGD: "Class C0". The valine amino acid residue is found in multiple mammalian species, suggesting that this missense change does not adversely affect protein function. These predictions have not been confirmed by published functional studies and their clinical significance is uncertain. This variant has not been reported in the literature in individuals with HPD-related disease. This variant is not present in population databases (ExAC no frequency).